The following is an entry in ClinVar:

ClinVar aggregate classification (germline): Uncertain significance (1 of 4 stars; one submission).

Conditions:
Bardet-Biedl syndrome (BBS). Identifiers: Orphanet 110, MedGen C0752166, MONDO:0015229.

gnomAD v4.1: 2 of 1,614,180 alleles (0.00012%); highest among the groups gnomAD compares: Non-Finnish European, 0.00017%; no homozygotes.

Submission:

Labcorp Genetics (formerly Invitae), Labcorp
Classification: Uncertain significance for Bardet-Biedl syndrome. Last evaluated: 2021-08-31. Review status: criteria provided, single submitter. Criteria: Invitae Variant Classification Sherloc (09022015). Collection method: clinical testing. Allele origin: germline.
Comment: This sequence change replaces threonine with isoleucine at codon 625 of the TRIM32 protein (p.Thr625Ile). The threonine residue is highly conserved and there is a moderate physicochemical difference between threonine and isoleucine. This variant is not present in population databases (ExAC no frequency). This variant has not been reported in the literature in individuals affected with TRIM32-related conditions. Algorithms developed to predict the effect of missense changes on protein structure and function (SIFT, PolyPhen-2, Align-GVGD) all suggest that this variant is likely to be disruptive. In summary, the available evidence is currently insufficient to determine the role of this variant in disease. Therefore, it has been classified as a Variant of Uncertain Significance.

NM_012210.4(TRIM32):c.1874C>T (p.Thr625Ile)

Genes: ASTN2 (astrotactin 2; minus strand), TRIM32 (tripartite motif containing 32; plus strand). Cytogenetic location: 9q33.1.
Variant type: single nucleotide variant.
Coding change: c.1874C>T on transcript NM_012210.4 (MANE Select); coding-DNA position 1874, C replaced by T.
Protein change: p.Thr625Ile; replaces threonine 625 with isoleucine.
Molecular consequence: missense variant. On other transcripts: intron variant (3).
Genome position (GRCh38, 1-based): chr9:116,699,616, C>T. VCF-style: chr9-116699616-C-T. GRCh37 (hg19) VCF-style: chr9-119461895-C-T.
Other names: c.1874C>T, p.Thr625Ile (NM_001099679.2, NM_001379048.1, NM_001379049.1 and 1 more transcripts); c.2653+26155G>A (NM_014010.5); c.2794+26155G>A (NM_001365069.1); c.2806+26155G>A (NM_001365068.1); short protein forms T625I.
Identifiers: ClinVar variation 951922 (VCV000951922.7), dbSNP rs1861074314, ClinGen allele CA374652618.